The following is an entry in ClinVar:

NM_024642.5(GALNT12):c.1002T>C (p.Val334=)

Gene: GALNT12 (polypeptide N-acetylgalactosaminyltransferase 12; plus strand). Cytogenetic location: 9q22.33.
Variant type: single nucleotide variant.
Coding change: c.1002T>C on transcript NM_024642.5 (MANE Select); coding-DNA position 1002, T replaced by C.
Protein change: p.Val334=; no amino-acid change (valine 334 retained).
Molecular consequence: synonymous variant.
Genome position (GRCh38, 1-based): chr9:98,835,333, T>C. VCF-style: chr9-98835333-T-C. GRCh37 (hg19) VCF-style: chr9-101597615-T-C.
Identifiers: ClinVar variation 1773243 (VCV001773243.3), dbSNP rs2490527661, ClinGen allele CA466424961.

ClinVar aggregate classification (germline): Benign/Likely benign. Review status: criteria provided, multiple submitters, no conflicts (2 of 4 stars). 2 submissions from 2 submitters: Benign (1); Likely benign (1). Last evaluated 2026-04-24.

Conditions:
Colorectal cancer, susceptibility to, 1. Also called: COLORECTAL ADENOMA AND CANCER, SUSCEPTIBILITY TO; COLORECTAL CANCER, SUSCEPTIBILITY TO, ON CHROMOSOME 9. Identifiers: MedGen C1837315, MONDO:0012132, OMIM 608812.

Allele frequency attached by ClinVar (database versions not stated): gnomAD exomes below 0.00001.

Submissions (2):

Myriad Genetics, Inc.
Classification: Benign for Colorectal cancer, susceptibility to, 1. Last evaluated: 2026-04-24. Review status: criteria provided, single submitter. Criteria: Myriad Autosomal Dominant, Autosomal Recessive and X-Linked Classification Criteria (2023). Collection method: clinical testing. Allele origin: unknown.
Comment: This variant is considered benign. This variant is a silent/synonymous amino acid change and it is not expected to impact splicing.

Ambry Genetics
Classification: Likely benign. Last evaluated: 2020-12-02. Review status: criteria provided, single submitter. Criteria: Ambry Variant Classification Scheme 2023. Collection method: clinical testing. Allele origin: germline.